The following is an entry in ClinVar:

ClinVar aggregate classification (germline): Uncertain significance. Review status: criteria provided, multiple submitters, no conflicts (2 of 4 stars). 2 submissions from 2 submitters: Uncertain significance (2). Last evaluated 2025-10-01.

Conditions:
Severe combined immunodeficiency due to DNA-PKcs deficiency. Also called: IMMUNODEFICIENCY 26 WITH NEUROLOGIC ABNORMALITIES; Immunodeficiency 26 with or without neurologic abnormalities. Identifiers: Orphanet 317425, MedGen C4014833, MONDO:0014423, OMIM 615966.

Submissions (2):

Labcorp Genetics (formerly Invitae), Labcorp
Classification: Uncertain significance for Severe combined immunodeficiency due to DNA-PKcs deficiency. Last evaluated: 2025-10-01. Review status: criteria provided, single submitter. Criteria: Invitae Variant Classification Sherloc (09022015). Collection method: clinical testing. Allele origin: germline.
Comment: This sequence change replaces glutamic acid, which is acidic and polar, with alanine, which is neutral and non-polar, at codon 1092 of the PRKDC protein (p.Glu1092Ala). This variant is not present in population databases (gnomAD no frequency). This variant has not been reported in the literature in individuals affected with PRKDC-related conditions. ClinVar contains an entry for this variant (Variation ID: 1729662). Invitae Evidence Modeling of protein sequence and biophysical properties (such as structural, functional, and spatial information, amino acid conservation, physicochemical variation, residue mobility, and thermodynamic stability) indicates that this missense variant is expected to disrupt PRKDC protein function with a positive predictive value of 80%. In summary, the available evidence is currently insufficient to determine the role of this variant in disease. Therefore, it has been classified as a Variant of Uncertain Significance.

Ambry Genetics
Classification: Uncertain significance. Last evaluated: 2022-08-30. Review status: criteria provided, single submitter. Criteria: Ambry Variant Classification Scheme 2023. Collection method: clinical testing. Allele origin: germline.
Comment: The p.E1092A variant (also known as c.3275A>C), located in coding exon 28 of the PRKDC gene, results from an A to C substitution at nucleotide position 3275. The glutamic acid at codon 1092 is replaced by alanine, an amino acid with dissimilar properties. This amino acid position is conserved. In addition, the in silico prediction for this alteration is inconclusive. Since supporting evidence is limited at this time, the clinical significance of this alteration remains unclear.

NM_006904.7(PRKDC):c.3275A>C (p.Glu1092Ala)

Gene: PRKDC (protein kinase, DNA-activated, catalytic subunit; minus strand). Cytogenetic location: 8q11.21.
Variant type: single nucleotide variant.
Coding change: c.3275A>C on transcript NM_006904.7 (MANE Select); coding-DNA position 3275, A replaced by C.
Protein change: p.Glu1092Ala; replaces glutamic acid 1092 with alanine.
Molecular consequence: missense variant.
Genome position (GRCh38, 1-based): chr8:47,900,462, T>G on the plus strand (A>C on the coding strand, the complement: PRKDC is on the minus strand). VCF-style: chr8-47900462-T-G. GRCh37 (hg19) VCF-style: chr8-48813022-T-G.
Other names: c.3275A>C, p.Glu1092Ala (NM_001081640.2); short protein forms E1092A.
Identifiers: ClinVar variation 1729662 (VCV001729662.5), dbSNP rs2551875246, ClinGen allele CA371155910.
Genomic context (GRCh38, chr8:47,900,462, plus strand): 5'-GCCAGACTCTCCATGTATATCACCAAGGCTTCAAACACAAACTGTTCCACCAGAGACTCT[T>G]CTTCCCTGTAAAATAAAGAATAGGAAACCTCACCTAAGAAAACAATAAAGCAGAAAGGAC-3'
Protein context (NP_008835.5, residues 1082-1102): FNNIYREFRE[Glu1092Ala]ESLVEQFVFE